The following is an entry in ClinVar:

NM_003924.4(PHOX2B):c.3G>A (p.Met1Ile)

Genes: PHOX2B (paired like homeobox 2B; minus strand), PHOX2B-AS1 (PHOX2B antisense RNA 1; plus strand). Cytogenetic location: 4p13.
Variant type: single nucleotide variant.
Coding change: c.3G>A on transcript NM_003924.4 (MANE Select); coding-DNA position 3, G replaced by A.
Protein change: p.Met1Ile; changes the start codon (methionine 1).
Molecular consequence: missense variant, initiator codon variant.
Genome position (GRCh38, 1-based): chr4:41,748,608, C>T on the plus strand (G>A on the coding strand, the complement: PHOX2B is on the minus strand). VCF-style: chr4-41748608-C-T. GRCh37 (hg19) VCF-style: chr4-41750625-C-T.
Other names: short protein forms M1I.
Identifiers: ClinVar variation 1736896 (VCV001736896.3), dbSNP rs2552097203, ClinGen allele CA356741475.
Genomic context (GRCh38, chr4:41,748,608, plus strand): 5'-CATCCCAGCCATACAGGACTCGTAGGCAGAGGAATTGAGGTAAGAATATTCCATTTTATA[C>T]ATTGAAAAGGTTCTGGATGGCTCAGCCAAGTGGAAAAATGAAATAAAAGATGGATATGGA-3'
Protein context (NP_003915.2, residues 1-11): [Met1Ile]YKMEYSYLNS

ClinVar aggregate classification (germline): Uncertain significance (1 of 4 stars; one submission).

Conditions:
Hereditary cancer-predisposing syndrome. Also called: Neoplastic Syndromes, Hereditary; Tumor predisposition; Hereditary Cancer Syndrome; Hereditary neoplastic syndrome. Identifiers: Orphanet 140162, MedGen C0027672, MeSH D009386, MONDO:0015356.

Submission:

Ambry Genetics
Classification: Uncertain significance for Hereditary cancer-predisposing syndrome. Last evaluated: 2022-01-29. Review status: criteria provided, single submitter. Criteria: Ambry Variant Classification Scheme 2023. Collection method: clinical testing. Allele origin: germline.
Comment: The p.M1? variant (also known as c.3G>A) is located in coding exon 1 of the PHOX2B gene and results from a G to A substitution at nucleotide position 3. This alters the methionine residue at the initiation codon (ATG). This amino acid region is highly conserved in available vertebrate species. Variations that modify the initiation codon (ATG) are expected to result in either loss of translation initiation, N-terminal truncation, or cause a shift in the mRNA reading frame; however, there is an in-frame methionine three amino acids from the initiation site, which may result in N-terminal truncation of unknown functional significance. Since supporting evidence is limited at this time, the clinical significance of this alteration remains unclear.